The following is an entry in ClinVar:

NM_004380.3(CREBBP):c.2853T>C (p.Pro951=)

Gene: CREBBP (CREB binding lysine acetyltransferase; minus strand). Cytogenetic location: 16p13.3.
Variant type: single nucleotide variant.
Coding change: c.2853T>C on transcript NM_004380.3 (MANE Select); coding-DNA position 2853, T replaced by C.
Protein change: p.Pro951=; no amino-acid change (proline 951 retained).
Molecular consequence: synonymous variant.
Genome position (GRCh38, 1-based): chr16:3,770,597, A>G on the plus strand (T>C on the coding strand, the complement: CREBBP is on the minus strand). VCF-style: chr16-3770597-A-G. GRCh37 (hg19) VCF-style: chr16-3820598-A-G.
Other names: c.2739T>C, p.Pro913= (NM_001079846.1).
Identifiers: ClinVar variation 1796867 (VCV001796867.9), dbSNP rs536613932, ClinGen allele CA7870024.

ClinVar aggregate classification (germline): Benign/Likely benign. Review status: criteria provided, multiple submitters, no conflicts (2 of 4 stars). 3 submissions from 3 submitters: Benign (1); Likely benign (1). 1 of the submissions does not count toward it. Last evaluated 2025-04-29.

Conditions:
Inborn genetic diseases. Identifiers: MedGen C0950123, MeSH D030342.
CREBBP-related disorder. Also called: CREBBP-related disorders; CREBBP-related condition.
Rubinstein-Taybi syndrome (RSTS). Identifiers: Orphanet 783, MedGen C0035934, MONDO:0019188.

Allele frequency attached by ClinVar (database versions not stated): gnomAD exomes 0.00001; ExAC 0.00002; TOPMed 0.00005; gnomAD 0.00006; 1000 Genomes Project 30x 0.00016; 1000 Genomes Project 0.00020.
gnomAD v4.1: 20 of 1,613,674 alleles (0.0012%); highest among the groups gnomAD compares: African/African-American, 0.025%; no homozygotes.

Submissions (3):

Labcorp Genetics (formerly Invitae), Labcorp
Classification: Benign for Rubinstein-Taybi syndrome. Last evaluated: 2025-04-29. Review status: criteria provided, single submitter. Criteria: Invitae Variant Classification Sherloc (09022015). Collection method: clinical testing. Allele origin: germline.

Ambry Genetics
Classification: Likely benign for Inborn genetic diseases. Last evaluated: 2018-06-25. Review status: criteria provided, single submitter. Criteria: Ambry Variant Classification Scheme 2023. Collection method: clinical testing. Allele origin: germline.

PreventionGenetics, part of Exact Sciences
Classification: Likely benign for CREBBP-related condition. Last evaluated: 2021-11-19. Review status: no assertion criteria provided. Collection method: clinical testing. Allele origin: germline. Not counted in ClinVar's aggregate classification.
Comment: This variant is classified as likely benign based on ACMG/AMP sequence variant interpretation guidelines (Richards et al. 2015 PMID: 25741868, with internal and published modifications).